The following is an entry in ClinVar:

ClinVar aggregate classification (germline): Uncertain significance (1 of 4 stars; one submission).

Submission:

Labcorp Genetics (formerly Invitae), Labcorp
Classification: Uncertain significance. Last evaluated: 2025-05-05. Review status: criteria provided, single submitter. Criteria: Invitae Variant Classification Sherloc (09022015). Collection method: clinical testing. Allele origin: germline.
Comment: This sequence change replaces isoleucine, which is neutral and non-polar, with threonine, which is neutral and polar, at codon 207 of the TRPM6 protein (p.Ile207Thr). This variant is not present in population databases (gnomAD no frequency). This variant has not been reported in the literature in individuals affected with TRPM6-related conditions. ClinVar contains an entry for this variant (Variation ID: 1977253). Invitae Evidence Modeling of protein sequence and biophysical properties (such as structural, functional, and spatial information, amino acid conservation, physicochemical variation, residue mobility, and thermodynamic stability) indicates that this missense variant is expected to disrupt TRPM6 protein function with a positive predictive value of 80%. In summary, the available evidence is currently insufficient to determine the role of this variant in disease. Therefore, it has been classified as a Variant of Uncertain Significance.

NM_017662.5(TRPM6):c.620T>C (p.Ile207Thr)

Gene: TRPM6 (transient receptor potential cation channel subfamily M member 6; minus strand). Cytogenetic location: 9q21.13.
Variant type: single nucleotide variant.
Coding change: c.620T>C on transcript NM_017662.5 (MANE Select); coding-DNA position 620, T replaced by C.
Protein change: p.Ile207Thr; replaces isoleucine 207 with threonine.
Molecular consequence: missense variant.
Genome position (GRCh38, 1-based): chr9:74,834,047, A>G on the plus strand (T>C on the coding strand, the complement: TRPM6 is on the minus strand). VCF-style: chr9-74834047-A-G. GRCh37 (hg19) VCF-style: chr9-77448963-A-G.
Other names: c.605T>C, p.Ile202Thr (NM_001177310.2, NM_001177311.2); short protein forms I207T, I202T.
Identifiers: ClinVar variation 1977253 (VCV001977253.5), dbSNP rs1829633497, ClinGen allele CA373695613.